The following is an entry in ClinVar:

NM_000478.6(ALPL):c.1190G>T (p.Gly397Val)

Gene: ALPL (alkaline phosphatase, biomineralization associated; plus strand). Cytogenetic location: 1p36.12.
Variant type: single nucleotide variant.
Coding change: c.1190G>T on transcript NM_000478.6 (MANE Select); coding-DNA position 1190, G replaced by T.
Protein change: p.Gly397Val; replaces glycine 397 with valine.
Molecular consequence: missense variant.
Genome position (GRCh38, 1-based): chr1:21,576,522, G>T. VCF-style: chr1-21576522-G-T. GRCh37 (hg19) VCF-style: chr1-21903015-G-T.
Other names: c.1025G>T, p.Gly342Val (NM_001127501.4); c.959G>T, p.Gly320Val (NM_001177520.3); c.1190G>T, p.Gly397Val (NM_001369803.2, NM_001369804.2, NM_001369805.2); short protein forms G320V, G342V, G397V.
Identifiers: ClinVar variation 1686657 (VCV001686657.3), dbSNP rs1400042777, ClinGen allele CA338881621.

ClinVar aggregate classification (germline): Likely pathogenic (0 of 4 stars; one submission).

Conditions:
Hypophosphatasia. Also called: Phosphoethanol-aminuria. Identifiers: Orphanet 436, MedGen C0020630, MeSH D007014, MONDO:0018570.

Allele frequency attached by ClinVar (database versions not stated): gnomAD exomes below 0.00001.
gnomAD v4.1: 1 of 1,613,826 alleles (0.000062%); highest among the groups gnomAD compares: Non-Finnish European, 0.000085%; no homozygotes.

Submission:

JKU Lab, Dept of Paediatrics, Johannes Kepler University
Classification: Likely pathogenic for Hypophosphatasia. Last evaluated: 2024-12-10. Review status: no assertion criteria provided. Collection method: clinical testing. Allele origin: germline. Affected: yes.
Comment: This missense variant is present in GnomAD 4.1 (ƒ = 8.476e-7) and affects a highly conserved amino acid in the crown domain. The variant is predicted to affect protein function (REVEL score: 0.972). Splice-prediction algorithms predict no effect on splicing. In vitro functional studies showed reduced ALP activity without dominant negative effect. The results of the functional testing and the applied ACMG criteria can be viewed at an online resource

Literature cited by the submitters: PubMed 28401263; PubMed 38884565.